The following is an entry in ClinVar:

ClinVar aggregate classification (germline): Uncertain significance (1 of 4 stars; one submission).

Conditions:
Aortic aneurysm, familial thoracic 7 (AAT7). Also called: AORTIC DISSECTION, FAMILIAL, WITH OR WITHOUT AORTIC ANEURYSM. Identifiers: MedGen C3151077, MONDO:0013418, OMIM 613780.

gnomAD v4.1: 1 of 1,614,158 alleles (0.000062%); highest among the groups gnomAD compares: Non-Finnish European, 0.000085%; no homozygotes.

Submission:

Labcorp Genetics (formerly Invitae), Labcorp
Classification: Uncertain significance for Aortic aneurysm, familial thoracic 7. Last evaluated: 2025-03-12. Review status: criteria provided, single submitter. Criteria: Invitae Variant Classification Sherloc (09022015). Collection method: clinical testing. Allele origin: germline.
Comment: This sequence change replaces alanine, which is neutral and non-polar, with glycine, which is neutral and non-polar, at codon 246 of the MYLK protein (p.Ala246Gly). This variant is present in population databases (no rsID available, gnomAD 0.0009%). This variant has not been reported in the literature in individuals affected with MYLK-related conditions. Invitae Evidence Modeling of protein sequence and biophysical properties (such as structural, functional, and spatial information, amino acid conservation, physicochemical variation, residue mobility, and thermodynamic stability) indicates that this missense variant is not expected to disrupt MYLK protein function with a negative predictive value of 95%. Algorithms developed to predict the effect of sequence changes on RNA splicing suggest that this variant may disrupt the consensus splice site. In summary, the available evidence is currently insufficient to determine the role of this variant in disease. Therefore, it has been classified as a Variant of Uncertain Significance.

NM_053025.4(MYLK):c.737C>G (p.Ala246Gly)

Gene: MYLK (myosin light chain kinase; minus strand). Cytogenetic location: 3q21.1.
Variant type: single nucleotide variant.
Coding change: c.737C>G on transcript NM_053025.4 (MANE Select); coding-DNA position 737, C replaced by G.
Protein change: p.Ala246Gly; replaces alanine 246 with glycine.
Molecular consequence: missense variant.
Genome position (GRCh38, 1-based): chr3:123,737,395, G>C on the plus strand (C>G on the coding strand, the complement: MYLK is on the minus strand). VCF-style: chr3-123737395-G-C. GRCh37 (hg19) VCF-style: chr3-123456242-G-C.
Other names: c.209C>G, p.Ala70Gly (NM_001321309.2); c.737C>G, p.Ala246Gly (NM_053026.4, NM_053027.4, NM_053028.4); short protein forms A70G, A246G.
Identifiers: ClinVar variation 4694501 (VCV004694501.1).